The following is an entry in ClinVar:

NM_003823.4(TNFRSF6B):c.215C>T (p.Pro72Leu)

Genes: RTEL1-TNFRSF6B (RTEL1-TNFRSF6B readthrough (NMD candidate); plus strand), TNFRSF6B (TNF receptor superfamily member 6b; plus strand). Cytogenetic location: 20q13.33.
Variant type: single nucleotide variant.
Coding change: c.215C>T on transcript NM_003823.4 (MANE Select); coding-DNA position 215, C replaced by T.
Protein change: p.Pro72Leu; replaces proline 72 with leucine.
Molecular consequence: missense variant. On other transcripts: non-coding transcript variant (1).
Genome position (GRCh38, 1-based): chr20:63,696,982, C>T. VCF-style: chr20-63696982-C-T. GRCh37 (hg19) VCF-style: chr20-62328335-C-T.
Other names: short protein forms P72L.
Identifiers: ClinVar variation 1434910 (VCV001434910.7), dbSNP rs755903692, ClinGen allele CA9966368.
Genomic context (GRCh38, chr20:63,696,982, plus strand): 5'-GCCCCCCAGGCACCTTTGTGCAGCGGCCGTGCCGCCGAGACAGCCCCACGACGTGTGGCC[C>T]GTGTCCACCGCGCCACTACACGCAGTTCTGGAACTACCTAGAGCGCTGCCGCTACTGCAA-3'
Protein context (NP_003814.1, residues 62-82): CRRDSPTTCG[Pro72Leu]CPPRHYTQFW

ClinVar aggregate classification (germline): Uncertain significance (1 of 4 stars; one submission).

Allele frequency attached by ClinVar (database versions not stated): gnomAD exomes 0.00002; TOPMed 0.00002; ExAC 0.00003.
gnomAD v4.1: 17 of 1,608,744 alleles (0.0011%); highest among the groups gnomAD compares: South Asian, 0.0066%; no homozygotes.

Submission:

Labcorp Genetics (formerly Invitae), Labcorp
Classification: Uncertain significance. Last evaluated: 2023-03-10. Review status: criteria provided, single submitter. Criteria: Invitae Variant Classification Sherloc (09022015). Collection method: clinical testing. Allele origin: germline.
Comment: This sequence change replaces proline, which is neutral and non-polar, with leucine, which is neutral and non-polar, at codon 72 of the TNFRSF6B protein (p.Pro72Leu). This variant is present in population databases (rs755903692, gnomAD 0.01%). This variant has not been reported in the literature in individuals affected with TNFRSF6B-related conditions. ClinVar contains an entry for this variant (Variation ID: 1434910). An algorithm developed to predict the effect of missense changes on protein structure and function (PolyPhen-2) suggests that this variant¬† is likely to be tolerated. In summary, the available evidence is currently insufficient to determine the role of this variant in disease. Therefore, it has been classified as a Variant of Uncertain Significance.